The following is an entry in ClinVar:

NM_001267550.2(TTN):c.104425G>C (p.Val34809Leu)

Genes: TTN-AS1 (TTN antisense RNA 1; plus strand), TTN (titin; minus strand). Cytogenetic location: 2q31.2.
Variant type: single nucleotide variant.
Coding change: c.104425G>C on transcript NM_001267550.2 (MANE Select); coding-DNA position 104425, G replaced by C.
Protein change: p.Val34809Leu; replaces valine 34809 with leucine.
Molecular consequence: missense variant.
Genome position (GRCh38, 1-based): chr2:178,532,190, C>G on the plus strand (G>C on the coding strand, the complement: TTN is on the minus strand). VCF-style: chr2-178532190-C-G. GRCh37 (hg19) VCF-style: chr2-179396917-C-G.
Other names: c.99502G>C, p.Val33168Leu (NM_001256850.1); c.77230G>C, p.Val25744Leu (NM_003319.4); c.96721G>C, p.Val32241Leu (NM_133378.4); c.77605G>C, p.Val25869Leu (NM_133432.3); c.77806G>C, p.Val25936Leu (NM_133437.4); short protein forms V25744L, V34809L, V25869L, V25936L, V32241L, V33168L.
Identifiers: ClinVar variation 1034511 (VCV001034511.8), dbSNP rs754384143, ClinGen allele CA1985429.
Genomic context (GRCh38, chr2:178,532,190, plus strand): 5'-ATTCTCTTTGAGCATGTTTTGAGATTTCGTATTCTTCCTCAATTTCTGTTATTTCTGTCA[C>G]TTCTCTTTGTCGCCTTGATTTCTTTCTAGACTTTTCCTCCTTTGACATGAAGTCAAGTTC-3'
Protein context (NP_001254479.2, residues 34799-34819): SRKKSRRQRE[Val34809Leu]TEITEIEEEY

ClinVar aggregate classification (germline): Conflicting classifications of pathogenicity. Review status: criteria provided, conflicting classifications (1 of 4 stars). 2 submissions from 2 submitters: Uncertain significance (1); Likely benign (1). Last evaluated 2025-04-09.

Conditions:
Dilated cardiomyopathy 1G (CMD1G). Identifiers: Orphanet 154, MedGen C1858763, MONDO:0011400, OMIM 604145.
Autosomal recessive limb-girdle muscular dystrophy type 2J (LGMDR10). Also called: Limb-girdle muscular dystrophy, type 2J; MUSCULAR DYSTROPHY, LIMB-GIRDLE, AUTOSOMAL RECESSIVE 10. Identifiers: Orphanet 140922, MedGen C1837342, MONDO:0012127, OMIM 608807.

Allele frequency attached by ClinVar (database versions not stated): gnomAD 0.00002 and 0.00003; TOPMed 0.00002.
gnomAD v4.1: 13 of 1,613,562 alleles (0.00081%); highest among the groups gnomAD compares: Non-Finnish European, 0.0011%; no homozygotes.

Submissions (2):

Molecular Diagnostic Laboratory for Inherited Cardiovascular Disease, Montreal Heart Institute
Classification: Likely benign. Last evaluated: 2025-04-09. Review status: criteria provided, single submitter. Criteria: ACMG Guidelines, 2015. Collection method: clinical testing. Allele origin: germline. Affected: no.

Labcorp Genetics (formerly Invitae), Labcorp
Classification: Uncertain significance for Dilated cardiomyopathy 1G; Autosomal recessive limb-girdle muscular dystrophy type 2J. Last evaluated: 2024-07-22. Review status: criteria provided, single submitter. Criteria: Invitae Variant Classification Sherloc (09022015). Collection method: clinical testing. Allele origin: germline.
Comment: This sequence change replaces valine, which is neutral and non-polar, with leucine, which is neutral and non-polar, at codon 34809 of the TTN protein (p.Val34809Leu). This variant is present in population databases (rs754384143, gnomAD 0.002%). This variant has not been reported in the literature in individuals affected with TTN-related conditions. ClinVar contains an entry for this variant (Variation ID: 1034511). Experimental studies and prediction algorithms are not available or were not evaluated, and the functional significance of this variant is currently unknown. This variant is located in the M band of TTN (PMID: 25589632). Non-truncating variants in this region may be relevant for neuromuscular disorders, but have not been definitively shown to cause cardiomyopathy (PMID: 23975875). In summary, the available evidence is currently insufficient to determine the role of this variant in disease. Therefore, it has been classified as a Variant of Uncertain Significance.

Literature cited by the submitters: PubMed 25589632 (cited by Labcorp Genetics (formerly Invitae), Labcorp); PubMed 23975875 (cited by Labcorp Genetics (formerly Invitae), Labcorp).